The following is an entry in ClinVar:

ClinVar aggregate classification (germline): Uncertain significance. Review status: criteria provided, multiple submitters, no conflicts (2 of 4 stars). 2 submissions from 2 submitters: Uncertain significance (2). Last evaluated 2025-10-09.

Conditions:
Gorlin syndrome. Also called: Basal cell nevus syndrome; Nevoid Basal Cell Carcinoma Syndrome. Identifiers: Orphanet 377, MedGen C0004779, MONDO:0007187.
Hereditary cancer-predisposing syndrome. Also called: Hereditary neoplastic syndrome; Hereditary Cancer Syndrome; Neoplastic Syndromes, Hereditary; Tumor predisposition. Identifiers: Orphanet 140162, MedGen C0027672, MeSH D009386, MONDO:0015356.

Submissions (2):

Ambry Genetics
Classification: Uncertain significance for Hereditary cancer-predisposing syndrome. Last evaluated: 2025-10-09. Review status: criteria provided, single submitter. Criteria: Ambry Variant Classification Scheme 2023. Collection method: clinical testing. Allele origin: germline.
Comment: The p.G445D variant (also known as c.1334G>A), located in coding exon 9 of the PTCH1 gene, results from a G to A substitution at nucleotide position 1334. The glycine at codon 445 is replaced by aspartic acid, an amino acid with similar properties. This amino acid position is conserved. In addition, this alteration is predicted to be deleterious by in silico analysis. Based on the available evidence, the clinical significance of this variant remains unclear.

Labcorp Genetics (formerly Invitae), Labcorp
Classification: Uncertain significance for Gorlin syndrome. Last evaluated: 2021-02-23. Review status: criteria provided, single submitter. Criteria: Invitae Variant Classification Sherloc (09022015). Collection method: clinical testing. Allele origin: germline.
Comment: This sequence change replaces glycine with aspartic acid at codon 445 of the PTCH1 protein (p.Gly445Asp). The glycine residue is moderately conserved and there is a moderate physicochemical difference between glycine and aspartic acid. This variant is not present in population databases (ExAC no frequency). Advanced modeling of protein sequence and biophysical properties (such as structural, functional, and spatial information, amino acid conservation, physicochemical variation, residue mobility, and thermodynamic stability) performed at Invitae indicates that this missense variant is expected to disrupt PTCH1 protein function. In summary, the available evidence is currently insufficient to determine the role of this variant in disease. Therefore, it has been classified as a Variant of Uncertain Significance. This variant has not been reported in the literature in individuals with PTCH1-related conditions.

NM_000264.5(PTCH1):c.1334G>A (p.Gly445Asp)

Gene: PTCH1 (patched 1; minus strand). Cytogenetic location: 9q22.32.
Variant type: single nucleotide variant.
Coding change: c.1334G>A on transcript NM_000264.5 (MANE Select); coding-DNA position 1334, G replaced by A.
Protein change: p.Gly445Asp; replaces glycine 445 with aspartic acid.
Molecular consequence: missense variant. On other transcripts: non-coding transcript variant (1).
Genome position (GRCh38, 1-based): chr9:95,478,068, C>T on the plus strand (G>A on the coding strand, the complement: PTCH1 is on the minus strand). VCF-style: chr9-95478068-C-T. GRCh37 (hg19) VCF-style: chr9-98240350-C-T.
Other names: c.1136G>A, p.Gly379Asp (NM_001083602.3); c.1331G>A, p.Gly444Asp (NM_001083603.3); c.881G>A, p.Gly294Asp (NM_001083604.3, NM_001083605.3, NM_001083606.3 and 1 more transcripts); c.1334G>A, p.Gly445Asp (NM_001354918.2); c.1334G>A (NM_000264.3); short protein forms G379D, G444D, G445D, G294D.
Identifiers: ClinVar variation 1375311 (VCV001375311.9), dbSNP rs2118329688, ClinGen allele CA374118728.
Genomic context (GRCh38, chr9:95,478,068, plus strand): 5'-CAACCAAACCAAACTCCAGCCCCCAGGAGCATGGCATCGAGCGTTACCATGAGTAAGTAG[C>T]CGCTGGCCACGCGGATGACACTGACGTCAGAGAAGGATTTCAGGATGTCGTCCAGGGTCG-3'
Protein context (NP_000255.2, residues 435-455): SDVSVIRVAS[Gly445Asp]YLLMLAYACL